The following is an entry in ClinVar:

NM_001256317.3(TMPRSS3):c.1304G>C (p.Arg435Pro)

Gene: TMPRSS3 (transmembrane serine protease 3; minus strand). Cytogenetic location: 21q22.3.
Variant type: single nucleotide variant.
Coding change: c.1304G>C on transcript NM_001256317.3 (MANE Select); coding-DNA position 1304, G replaced by C.
Protein change: p.Arg435Pro; replaces arginine 435 with proline.
Molecular consequence: missense variant.
Genome position (GRCh38, 1-based): chr21:42,375,756, C>G on the plus strand (G>C on the coding strand, the complement: TMPRSS3 is on the minus strand). VCF-style: chr21-42375756-C-G. GRCh37 (hg19) VCF-style: chr21-43795865-C-G.
Other names: c.1307G>C, p.Arg436Pro (NM_024022.4); c.926G>C, p.Arg309Pro (NM_032404.3); short protein forms R309P, R435P, R436P.
Identifiers: ClinVar variation 1509020 (VCV001509020.8), dbSNP rs769807644, ClinGen allele CA410368694.
Genomic context (GRCh38, chr21:42,375,756, plus strand): 5'-GGGGAGGGCGCCGCACCCACCTCCATCTGCTCGTGGATCCAGTCCAGGAAGGAGGTGACA[C>G]GGGTGTACACCCCAGGCTTGTTCACCTCTGCGCAGCCGATGCCAAAGCTGGTCGCTCCCA-3'
Protein context (NP_001243246.1, residues 425-445): AEVNKPGVYT[Arg435Pro]VTSFLDWIHE

ClinVar aggregate classification (germline): Pathogenic (1 of 4 stars; one submission).

Submission:

Labcorp Genetics (formerly Invitae), Labcorp
Classification: Pathogenic. Last evaluated: 2022-07-06. Review status: criteria provided, single submitter. Criteria: Invitae Variant Classification Sherloc (09022015). Collection method: clinical testing. Allele origin: germline.
Comment: This variant is not present in population databases (gnomAD no frequency). For these reasons, this variant has been classified as Pathogenic. This variant disrupts the p.Arg436 amino acid residue in TMPRSS3. Other variant(s) that disrupt this residue have been determined to be pathogenic (PMID: 26969326; Invitae). This suggests that this residue is clinically significant, and that variants that disrupt this residue are likely to be disease-causing. Advanced modeling of protein sequence and biophysical properties (such as structural, functional, and spatial information, amino acid conservation, physicochemical variation, residue mobility, and thermodynamic stability) performed at Invitae indicates that this missense variant is expected to disrupt TMPRSS3 protein function. ClinVar contains an entry for this variant (Variation ID: 1509020). This missense change has been observed in individual(s) with clinical features of TMPRSS3-related conditions (Invitae). In at least one individual the data is consistent with being in trans (on the opposite chromosome) from a pathogenic variant. This sequence change replaces arginine, which is basic and polar, with proline, which is neutral and non-polar, at codon 436 of the TMPRSS3 protein (p.Arg436Pro).

Literature cited by the submitters: PubMed 26969326.